The following is an entry in ClinVar:

ClinVar aggregate classification (germline): Uncertain significance (1 of 4 stars; one submission).

Conditions:
Amyotrophic lateral sclerosis type 6. Also called: AMYOTROPHIC LATERAL SCLEROSIS 6 WITHOUT FRONTOTEMPORAL DEMENTIA; Amyotrophic lateral sclerosis 6, with or without frontotemporal dementia; FUS-Related Amyotrophic Laterial Sclerosis. Identifiers: Orphanet 275872, Orphanet 803, MedGen C2931786, MONDO:0011951, OMIM 608030.

Submission:

Neuberg Centre For Genomic Medicine, NCGM
Classification: Uncertain significance for Amyotrophic lateral sclerosis type 6. Review status: criteria provided, single submitter. Criteria: ACMG Guidelines, 2015. Collection method: clinical testing. Allele origin: germline. Affected: yes.
Comment: The missense variant p.P525A in FUS (NM_004960.4) has not been reported previously as a pathogenic variant nor as a benign variant, to our knowledge. Another missense variant affecting the same amnio acid P525L has been previously reported in 2 cases of sporadic ALS (Kenna PK et al, 2013). The p.P525A variant is novel (not in any individuals) in gnomAD Exomes and is novel (not in any individuals) in 1000 Genomes. The p.P525A missense variant is predicted to be damaging by both SIFT and PolyPhen2. The proline residue at codon 525 of FUS is conserved in all mammalian species. The nucleotide c.1573 in FUS is predicted conserved by GERP++ and PhyloP across 100 vertebrates. For these reasons, this variant has been classified as Uncertain Significance.

NM_004960.4(FUS):c.1573C>G (p.Pro525Ala)

Gene: FUS (FUS RNA binding protein; plus strand). Cytogenetic location: 16p11.2.
Variant type: single nucleotide variant.
Coding change: c.1573C>G on transcript NM_004960.4 (MANE Select); coding-DNA position 1573, C replaced by G.
Protein change: p.Pro525Ala; replaces proline 525 with alanine.
Molecular consequence: missense variant. On other transcripts: non-coding transcript variant (1).
Genome position (GRCh38, 1-based): chr16:31,191,430, C>G. VCF-style: chr16-31191430-C-G. GRCh37 (hg19) VCF-style: chr16-31202751-C-G.
Other names: c.1570C>G, p.Pro524Ala (NM_001170634.1); c.1561C>G, p.Pro521Ala (NM_001170937.1); short protein forms P521A, P524A, P525A.
Identifiers: ClinVar variation 1339102 (VCV001339102.2), dbSNP rs1555509699, ClinGen allele CA395677543.